The following is an entry in ClinVar:

ClinVar aggregate classification (germline): Uncertain significance (1 of 4 stars; one submission).

Conditions:
Inborn genetic diseases. Identifiers: MedGen C0950123, MeSH D030342.

Allele frequency attached by ClinVar (database versions not stated): gnomAD exomes below 0.00001.
gnomAD v4.1: 4 of 1,614,142 alleles (0.00025%); highest among the groups gnomAD compares: East Asian, 0.0022%; no homozygotes.

Submission:

Ambry Genetics
Classification: Uncertain significance for Inborn genetic diseases. Last evaluated: 2024-02-16. Review status: criteria provided, single submitter. Criteria: Ambry Variant Classification Scheme 2023. Collection method: clinical testing. Allele origin: germline.
Comment: The p.S790I variant (also known as c.2369G>T), located in coding exon 15 of the EPAS1 gene, results from a G to T substitution at nucleotide position 2369. The serine at codon 790 is replaced by isoleucine, an amino acid with dissimilar properties. This amino acid position is conserved. In addition, this alteration is predicted to be tolerated by in silico analysis. Based on the available evidence, the clinical significance of this alteration remains unclear.

NM_001430.5(EPAS1):c.2369G>T (p.Ser790Ile)

Gene: EPAS1 (endothelial PAS domain protein 1; plus strand). Cytogenetic location: 2p21.
Variant type: single nucleotide variant.
Coding change: c.2369G>T on transcript NM_001430.5 (MANE Select); coding-DNA position 2369, G replaced by T.
Protein change: p.Ser790Ile; replaces serine 790 with isoleucine.
Molecular consequence: missense variant.
Genome position (GRCh38, 1-based): chr2:46,382,506, G>T. VCF-style: chr2-46382506-G-T. GRCh37 (hg19) VCF-style: chr2-46609645-G-T.
Other names: short protein forms S790I.
Identifiers: ClinVar variation 3221625 (VCV003221625.1), dbSNP rs2103678181, ClinGen allele CA346706136.